The following is an entry in ClinVar:

ClinVar aggregate classification (germline): Uncertain significance (1 of 4 stars; one submission).

Conditions:
Severe combined immunodeficiency due to DNA-PKcs deficiency. Also called: IMMUNODEFICIENCY 26 WITH NEUROLOGIC ABNORMALITIES; Immunodeficiency 26 with or without neurologic abnormalities. Identifiers: Orphanet 317425, MedGen C4014833, MONDO:0014423, OMIM 615966.

Submission:

Labcorp Genetics (formerly Invitae), Labcorp
Classification: Uncertain significance for Severe combined immunodeficiency due to DNA-PKcs deficiency. Last evaluated: 2023-04-24. Review status: criteria provided, single submitter. Criteria: Invitae Variant Classification Sherloc (09022015). Collection method: clinical testing. Allele origin: germline.
Comment: Advanced modeling of protein sequence and biophysical properties (such as structural, functional, and spatial information, amino acid conservation, physicochemical variation, residue mobility, and thermodynamic stability) performed at Invitae indicates that this missense variant is not expected to disrupt PRKDC protein function. In summary, the available evidence is currently insufficient to determine the role of this variant in disease. Therefore, it has been classified as a Variant of Uncertain Significance. ClinVar contains an entry for this variant (Variation ID: 1971504). This variant has not been reported in the literature in individuals affected with PRKDC-related conditions. This variant is not present in population databases (gnomAD no frequency). This sequence change replaces isoleucine, which is neutral and non-polar, with valine, which is neutral and non-polar, at codon 1301 of the PRKDC protein (p.Ile1301Val).

NM_006904.7(PRKDC):c.3901A>G (p.Ile1301Val)

Gene: PRKDC (protein kinase, DNA-activated, catalytic subunit; minus strand). Cytogenetic location: 8q11.21.
Variant type: single nucleotide variant.
Coding change: c.3901A>G on transcript NM_006904.7 (MANE Select); coding-DNA position 3901, A replaced by G.
Protein change: p.Ile1301Val; replaces isoleucine 1301 with valine.
Molecular consequence: missense variant.
Genome position (GRCh38, 1-based): chr8:47,890,427, T>C on the plus strand (A>G on the coding strand, the complement: PRKDC is on the minus strand). VCF-style: chr8-47890427-T-C. GRCh37 (hg19) VCF-style: chr8-48802988-T-C.
Other names: c.3901A>G, p.Ile1301Val (NM_001081640.2); short protein forms I1301V.
Identifiers: ClinVar variation 1971504 (VCV001971504.5), dbSNP rs2551873975, ClinGen allele CA371149036.
Genomic context (GRCh38, chr8:47,890,427, plus strand): 5'-TGTTACCTGCTGCCCCAGTGCCAAAGCACTTTTCTGCTGCTATAATGTCATGCATGGCAA[T>C]GCTTTCTAAGAAGAAAGCCACTGCTTTCAAAAGTGAAGACTGGGCTTCAGTACCTAGAAG-3'
Protein context (NP_008835.5, residues 1291-1311): LKAVAFFLES[Ile1301Val]AMHDIIAAEK